The following is an entry in ClinVar:

NM_177550.5(SLC13A5):c.1230C>T (p.Ile410=)

Gene: SLC13A5 (solute carrier family 13 member 5; minus strand). Cytogenetic location: 17p13.1.
Variant type: single nucleotide variant.
Coding change: c.1230C>T on transcript NM_177550.5 (MANE Select); coding-DNA position 1230, C replaced by T.
Protein change: p.Ile410=; no amino-acid change (isoleucine 410 retained).
Molecular consequence: synonymous variant.
Genome position (GRCh38, 1-based): chr17:6,693,089, G>A on the plus strand (C>T on the coding strand, the complement: SLC13A5 is on the minus strand). VCF-style: chr17-6693089-G-A. GRCh37 (hg19) VCF-style: chr17-6596408-G-A.
Other names: c.1230C>T, p.Ile410= (NM_001143838.3); c.1179C>T, p.Ile393= (NM_001284509.2); c.1101C>T, p.Ile367= (NM_001284510.2).
Identifiers: ClinVar variation 715280 (VCV000715280.14), dbSNP rs149447388, ClinGen allele CA8331456.

ClinVar aggregate classification (germline): Conflicting classifications of pathogenicity. Review status: criteria provided, conflicting classifications (1 of 4 stars). 3 submissions from 3 submitters: Uncertain significance (1); Likely benign (2). Last evaluated 2025-12-29.

Conditions:
Inborn genetic diseases. Identifiers: MedGen C0950123, MeSH D030342.
Developmental and epileptic encephalopathy, 25 (DEE25). Also called: Epileptic encephalopathy, early infantile, 25; Developmental and epileptic encephalopathy 25, with amelogenesis imperfecta; Epileptic encephalopathy, early infantile, 25, with amelogenesis imperfecta. Identifiers: Orphanet 442835, MedGen C4014621, MONDO:0014392, OMIM 615905.

Allele frequency attached by ClinVar (database versions not stated): TOPMed 0.00031; gnomAD 0.00032 and 0.00035; gnomAD exomes 0.00002 and 0.00008; ExAC 0.00010; 1000 Genomes Project 30x 0.00016; 1000 Genomes Project 0.00020; ESP Exome Variant Server 0.00031.
gnomAD v4.1: 79 of 1,613,936 alleles (0.0049%); highest among the groups gnomAD compares: African/African-American, 0.092%; no homozygotes.

Submissions (3):

Labcorp Genetics (formerly Invitae), Labcorp
Classification: Likely benign for Developmental and epileptic encephalopathy, 25. Last evaluated: 2025-12-29. Review status: criteria provided, single submitter. Criteria: Invitae Variant Classification Sherloc (09022015). Collection method: clinical testing. Allele origin: germline.

GeneDx
Classification: Uncertain significance. Last evaluated: 2025-04-15. Review status: criteria provided, single submitter. Criteria: GeneDx Variant Classification Process June 2021. Collection method: clinical testing. Allele origin: germline. Affected: yes.
Comment: Has not been previously published as pathogenic or benign to our knowledge; In silico analysis is inconclusive as to whether the variant alters gene splicing. In the absence of RNA/functional studies, the actual effect of this sequence change is unknown.

Ambry Genetics
Classification: Likely benign for Inborn genetic diseases. Last evaluated: 2019-01-31. Review status: criteria provided, single submitter. Criteria: Ambry Variant Classification Scheme 2023. Collection method: clinical testing. Allele origin: germline.